The following is an entry in ClinVar:

NM_006766.5(KAT6A):c.4442G>A (p.Ser1481Asn)

Gene: KAT6A (lysine acetyltransferase 6A; minus strand). Cytogenetic location: 8p11.21.
Variant type: single nucleotide variant.
Coding change: c.4442G>A on transcript NM_006766.5 (MANE Select); coding-DNA position 4442, G replaced by A.
Protein change: p.Ser1481Asn; replaces serine 1481 with asparagine.
Molecular consequence: missense variant.
Genome position (GRCh38, 1-based): chr8:41,933,778, C>T on the plus strand (G>A on the coding strand, the complement: KAT6A is on the minus strand). VCF-style: chr8-41933778-C-T. GRCh37 (hg19) VCF-style: chr8-41791296-C-T.
Other names: short protein forms S1481N.
Identifiers: ClinVar variation 4072710 (VCV004072710.2).
Genomic context (GRCh38, chr8:41,933,778, plus strand): 5'-TTGGGACTGCTGACCGAACGGACTGACTGGCTGGGGTGAGACTGAACGGAGGAGATAGGG[C>T]TATTATGTTCTGACGCATGACAGTCTTCAACCATGGACATCTGAGGGTCCTCGTCAGCCT-3'
Protein context (NP_006757.2, residues 1471-1491): VEDCHASEHN[Ser1481Asn]PISSVQSHPS

ClinVar aggregate classification (germline): Uncertain significance (1 of 4 stars; one submission).

gnomAD v4.1: 9 of 1,613,940 alleles (0.00056%); highest among the groups gnomAD compares: South Asian, 0.0033%; no homozygotes.

Submission:

GeneDx
Classification: Uncertain significance. Last evaluated: 2026-08-13. Review status: criteria provided, single submitter. Criteria: GeneDx Variant Classification Process June 2021. Collection method: clinical testing. Allele origin: germline.
Comment: Not observed at significant frequency in large population cohorts (gnomAD); In silico analysis suggests that this missense variant does not alter protein structure/function; Has not been previously published as pathogenic or benign to our knowledge